The following is an entry in ClinVar:

ClinVar aggregate classification (germline): Uncertain significance (1 of 4 stars; one submission).

Conditions:
Intellectual developmental disorder, X-linked 1. Also called: Atkin Flaitz Patil Smith syndrome; Intellectual disability, X-linked 1; MENTAL RETARDATION, X-LINKED 18; MENTAL RETARDATION, X-LINKED 78. Identifiers: Orphanet 777, MedGen C2931498, MONDO:0010656, OMIM 309530.

Allele frequency attached by ClinVar (database versions not stated): gnomAD exomes below 0.00001.
gnomAD v4.1: 1 of 1,210,130 alleles (0.000083%); highest among the groups gnomAD compares: African/African-American, 0.0017%; no homozygotes.

Submission:

Labcorp Genetics (formerly Invitae), Labcorp
Classification: Uncertain significance for Intellectual developmental disorder, X-linked 1. Last evaluated: 2023-10-22. Review status: criteria provided, single submitter. Criteria: Invitae Variant Classification Sherloc (09022015). Collection method: clinical testing. Allele origin: germline.
Comment: This sequence change replaces proline, which is neutral and non-polar, with leucine, which is neutral and non-polar, at codon 666 of the IQSEC2 protein (p.Pro666Leu). This variant is not present in population databases (gnomAD no frequency). This variant has not been reported in the literature in individuals affected with IQSEC2-related conditions. Advanced modeling of protein sequence and biophysical properties (such as structural, functional, and spatial information, amino acid conservation, physicochemical variation, residue mobility, and thermodynamic stability) performed at Invitae indicates that this missense variant is not expected to disrupt IQSEC2 protein function. In summary, the available evidence is currently insufficient to determine the role of this variant in disease. Therefore, it has been classified as a Variant of Uncertain Significance.

NM_001111125.3(IQSEC2):c.1997C>T (p.Pro666Leu)

Gene: IQSEC2 (IQ motif and Sec7 domain ArfGEF 2; minus strand). Cytogenetic location: Xp11.22.
Variant type: single nucleotide variant.
Coding change: c.1997C>T on transcript NM_001111125.3 (MANE Select); coding-DNA position 1997, C replaced by T.
Protein change: p.Pro666Leu; replaces proline 666 with leucine.
Molecular consequence: missense variant.
Genome position (GRCh38, 1-based): chrX:53,250,579, G>A on the plus strand (C>T on the coding strand, the complement: IQSEC2 is on the minus strand). VCF-style: chrX-53250579-G-A. GRCh37 (hg19) VCF-style: chrX-53279761-G-A.
Other names: c.1997C>T, p.Pro666Leu (NM_001410736.1); c.1382C>T, p.Pro461Leu (NM_015075.2); short protein forms P461L, P666L.
Identifiers: ClinVar variation 2813908 (VCV002813908.3), dbSNP rs2519800768, ClinGen allele CA413162656.